The following is an entry in ClinVar:

ClinVar aggregate classification (germline): Likely benign. Review status: criteria provided, multiple submitters, no conflicts (2 of 4 stars). 2 submissions from 2 submitters: Likely benign (2). Last evaluated 2023-08-01.

Allele frequency attached by ClinVar (database versions not stated): ExAC 0.00001; gnomAD 0.00001 and 0.00002; TOPMed 0.00001; gnomAD exomes 0.00002.

Submissions (2):

CeGaT Center for Human Genetics Tuebingen
Classification: Likely benign. Last evaluated: 2023-08-01. Review status: criteria provided, single submitter. Criteria: CeGaT Center For Human Genetics Tuebingen Variant Classification Criteria Version 2. Collection method: clinical testing. Allele origin: germline. Affected: yes. Observed: 1 variant allele.
Comment: REST: BP4, BP7

Labcorp Genetics (formerly Invitae), Labcorp
Classification: Likely benign. Last evaluated: 2021-09-17. Review status: criteria provided, single submitter. Criteria: Invitae Variant Classification Sherloc (09022015). Collection method: clinical testing. Allele origin: germline.

NM_005612.5(REST):c.1890G>A (p.Pro630=)

Gene: REST (RE1 silencing transcription factor; plus strand). Cytogenetic location: 4q12.
Variant type: single nucleotide variant.
Coding change: c.1890G>A on transcript NM_005612.5 (MANE Select); coding-DNA position 1890, G replaced by A.
Protein change: p.Pro630=; no amino-acid change (proline 630 retained).
Molecular consequence: synonymous variant.
Genome position (GRCh38, 1-based): chr4:56,930,748, G>A. VCF-style: chr4-56930748-G-A. GRCh37 (hg19) VCF-style: chr4-57796914-G-A.
Other names: c.1890G>A, p.Pro630= (NM_001193508.2, NM_001363453.3).
Identifiers: ClinVar variation 1663130 (VCV001663130.31), dbSNP rs771269514, ClinGen allele CA2932345.